The following is an entry in ClinVar:

NM_007272.3(CTRC):c.473C>T (p.Thr158Ile)

Gene: CTRC (chymotrypsin C; plus strand). Cytogenetic location: 1p36.21.
Variant type: single nucleotide variant.
Coding change: c.473C>T on transcript NM_007272.3 (MANE Select); coding-DNA position 473, C replaced by T.
Protein change: p.Thr158Ile; replaces threonine 158 with isoleucine.
Molecular consequence: missense variant.
Genome position (GRCh38, 1-based): chr1:15,443,535, C>T. VCF-style: chr1-15443535-C-T. GRCh37 (hg19) VCF-style: chr1-15770030-C-T.
Other names: short protein forms T158I.
Identifiers: ClinVar variation 1415848 (VCV001415848.12), dbSNP rs1238171999, ClinGen allele CA338566268.

ClinVar aggregate classification (germline): Uncertain significance. Review status: criteria provided, multiple submitters, no conflicts (2 of 4 stars). 4 submissions from 4 submitters: Uncertain significance (4). Last evaluated 2024-12-04.

Conditions:
Hereditary pancreatitis (PCTT). Also called: PRSS1-Related Hereditary Pancreatitis; Hereditary chronic pancreatitis. Identifiers: Orphanet 676, MedGen C0238339, MONDO:0008185, OMIM 167800.

Allele frequency attached by ClinVar (database versions not stated): gnomAD exomes below 0.00001 and 0.00001; TOPMed 0.00001.

Submissions (4):

Ambry Genetics
Classification: Uncertain significance for Hereditary pancreatitis. Last evaluated: 2024-12-04. Review status: criteria provided, single submitter. Criteria: Ambry Variant Classification Scheme 2023. Collection method: clinical testing. Allele origin: germline.

Fulgent Genetics
Classification: Uncertain significance for Hereditary pancreatitis. Last evaluated: 2024-02-21. Review status: criteria provided, single submitter. Criteria: ACMG Guidelines, 2015. Collection method: clinical testing. Allele origin: germline.

Labcorp Genetics (formerly Invitae), Labcorp
Classification: Uncertain significance for Hereditary pancreatitis. Last evaluated: 2022-11-12. Review status: criteria provided, single submitter. Criteria: Invitae Variant Classification Sherloc (09022015). Collection method: clinical testing. Allele origin: germline.
Comment: This variant has not been reported in the literature in individuals affected with CTRC-related conditions. In summary, the available evidence is currently insufficient to determine the role of this variant in disease. Therefore, it has been classified as a Variant of Uncertain Significance. Advanced modeling of protein sequence and biophysical properties (such as structural, functional, and spatial information, amino acid conservation, physicochemical variation, residue mobility, and thermodynamic stability) performed at Invitae indicates that this missense variant is expected to disrupt CTRC protein function. ClinVar contains an entry for this variant (Variation ID: 1415848). This variant is present in population databases (no rsID available, gnomAD 0.003%). This sequence change replaces threonine, which is neutral and polar, with isoleucine, which is neutral and non-polar, at codon 158 of the CTRC protein (p.Thr158Ile).

Revvity Omics, Revvity
Classification: Uncertain significance. Last evaluated: 2022-05-20. Review status: criteria provided, single submitter. Criteria: ACMG Guidelines, 2015. Collection method: clinical testing. Allele origin: germline.